The following is an entry in ClinVar:

ClinVar aggregate classification (germline): Uncertain significance (1 of 4 stars; one submission).

Conditions:
Hereditary pancreatitis (PCTT). Also called: Hereditary chronic pancreatitis; PRSS1-Related Hereditary Pancreatitis. Identifiers: Orphanet 676, MedGen C0238339, MONDO:0008185, OMIM 167800.

Allele frequency attached by ClinVar (database versions not stated): TOPMed 0.00001.
gnomAD v4.1: 1 of 1,613,772 alleles (0.000062%); highest among the groups gnomAD compares: Non-Finnish European, 0.000085%; no homozygotes.

Submission:

Ambry Genetics
Classification: Uncertain significance for Hereditary pancreatitis. Last evaluated: 2025-05-21. Review status: criteria provided, single submitter. Criteria: Ambry Variant Classification Scheme 2023. Collection method: clinical testing. Allele origin: germline.
Comment: The p.V232L variant (also known as c.694G>C), located in coding exon 5 of the PRSS1 gene, results from a G to C substitution at nucleotide position 694. The valine at codon 232 is replaced by leucine, an amino acid with highly similar properties. This amino acid position is conserved. In addition, this alteration is predicted to be deleterious by in silico analysis. Since supporting evidence is limited at this time, the clinical significance of this alteration remains unclear.

NM_002769.5(PRSS1):c.694G>C (p.Val232Leu)

Genes: TRB (T cell receptor beta locus; plus strand), PRSS1 (serine protease 1; plus strand). Cytogenetic location: 7q34.
Variant type: single nucleotide variant.
Coding change: c.694G>C on transcript NM_002769.5 (MANE Select); coding-DNA position 694, G replaced by C.
Protein change: p.Val232Leu; replaces valine 232 with leucine.
Molecular consequence: missense variant. On other transcripts: non-coding transcript variant (5).
Genome position (GRCh38, 1-based): chr7:142,752,970, G>C. VCF-style: chr7-142752970-G-C. GRCh37 (hg19) VCF-style: chr7-142460821-G-C.
Other names: short protein forms V232L.
Identifiers: ClinVar variation 1756289 (VCV001756289.3), dbSNP rs1445405636, ClinGen allele CA369610918.
Genomic context (GRCh38, chr7:142,752,970, plus strand): 5'-GGAGTTGTCTCCTGGGGTGATGGCTGTGCCCAGAAGAACAAGCCTGGAGTCTACACCAAG[G>C]TCTACAACTATGTGAAATGGATTAAGAACACCATAGCTGCCAATAGCTAAAGCCCCCAGT-3'
Protein context (NP_002760.1, residues 222-242): QKNKPGVYTK[Val232Leu]YNYVKWIKNT